The following is an entry in ClinVar:

NM_201384.3(PLEC):c.11731C>A (p.Leu3911Met)

Gene: PLEC (plectin; minus strand). Cytogenetic location: 8q24.3.
Variant type: single nucleotide variant.
Coding change: c.11731C>A on transcript NM_201384.3 (MANE Select); coding-DNA position 11731, C replaced by A.
Protein change: p.Leu3911Met; replaces leucine 3911 with methionine.
Molecular consequence: missense variant.
Genome position (GRCh38, 1-based): chr8:143,918,090, G>T on the plus strand (C>A on the coding strand, the complement: PLEC is on the minus strand). VCF-style: chr8-143918090-G-T. GRCh37 (hg19) VCF-style: chr8-144992258-G-T.
Other names: c.11812C>A, p.Leu3938Met (NM_000445.5); c.11689C>A, p.Leu3897Met (NM_201378.4); c.11665C>A, p.Leu3889Met (NM_201379.3); c.12142C>A, p.Leu4048Met (NM_201380.4); c.11635C>A, p.Leu3879Met (NM_201381.3); c.11731C>A, p.Leu3911Met (NM_201382.4); c.11743C>A, p.Leu3915Met (NM_201383.3); short protein forms L3889M, L3897M, L3915M, L3938M, L3879M, L3911M, L4048M.
Identifiers: ClinVar variation 1366214 (VCV001366214.8), dbSNP rs2130890393, ClinGen allele CA372488787.

ClinVar aggregate classification (germline): Uncertain significance (1 of 4 stars; one submission).

Conditions:
Epidermolysis bullosa simplex 5C, with pyloric atresia (EBS5C). Also called: PLEC-Related Epidermolysis Bullosa with Pyloric Atresia; Epidermolysis bullosa simplex with pyloric atresia; PLEC1-Related Epidermolysis Bullosa with Pyloric Atresia. Identifiers: Orphanet 158684, MedGen C2677349, MONDO:0012807, OMIM 612138.
Epidermolysis bullosa simplex 5B, with muscular dystrophy (EBS5B). Also called: EPIDERMOLYSIS BULLOSA SIMPLEX AND LIMB-GIRDLE MUSCULAR DYSTROPHY; Epidermolysis bullosa simplex with muscular dystrophy. Identifiers: Orphanet 257, MedGen C2931072, MONDO:0009181, OMIM 226670.
Epidermolysis bullosa simplex, Ogna type (EBS5A). Also called: Pidermolysis bullosa simplex 5A, Ogna type; EPIDERMOLYSIS BULLOSA SIMPLEX 5A, OGNA TYPE. Identifiers: Orphanet 79401, MedGen C0432317, MONDO:0007555, OMIM 131950.
Autosomal recessive limb-girdle muscular dystrophy type 2Q (LGMDR17). Also called: MUSCULAR DYSTROPHY, LIMB-GIRDLE, AUTOSOMAL RECESSIVE 17. Identifiers: Orphanet 254361, MedGen C3150989, MONDO:0013390, OMIM 613723.
Epidermolysis bullosa simplex with nail dystrophy (EBS5D). Identifiers: MedGen C4225309, MONDO:0014661, OMIM 616487.

Submission:

Labcorp Genetics (formerly Invitae), Labcorp
Classification: Uncertain significance for Autosomal recessive limb-girdle muscular dystrophy type 2Q; Epidermolysis bullosa simplex, Ogna type; Epidermolysis bullosa simplex with nail dystrophy; Epidermolysis bullosa simplex 5C, with pyloric atresia; Epidermolysis bullosa simplex 5B, with muscular dystrophy. Last evaluated: 2021-07-07. Review status: criteria provided, single submitter. Criteria: Invitae Variant Classification Sherloc (09022015). Collection method: clinical testing. Allele origin: germline.
Comment: In summary, the available evidence is currently insufficient to determine the role of this variant in disease. Therefore, it has been classified as a Variant of Uncertain Significance. This sequence change replaces leucine with methionine at codon 3938 of the PLEC protein (p.Leu3938Met). The leucine residue is highly conserved and there is a small physicochemical difference between leucine and methionine. This variant is not present in population databases (ExAC no frequency). This variant has not been reported in the literature in individuals affected with PLEC-related conditions. Algorithms developed to predict the effect of missense changes on protein structure and function are either unavailable or do not agree on the potential impact of this missense change (SIFT: "Deleterious"; PolyPhen-2: "Probably Damaging"; Align-GVGD: "Class C0").